The following is an entry in ClinVar:

ClinVar aggregate classification (germline): Uncertain significance. Review status: criteria provided, single submitter (1 of 4 stars). 2 submissions from 2 submitters: Uncertain significance (1). 1 of the submissions does not count toward it. Last evaluated 2025-08-09.

Conditions:
COL9A1-related disorder. Also called: COL9A1-related condition; COL9A1-related disorders.

Allele frequency attached by ClinVar (database versions not stated): gnomAD exomes below 0.00001 and 0.00003; gnomAD 0.00001 and 0.00004; ExAC 0.00002; TOPMed 0.00003; 1000 Genomes Project 0.00040; 1000 Genomes Project 30x 0.00047.
gnomAD v4.1: 14 of 1,609,254 alleles (0.00087%); highest among the groups gnomAD compares: East Asian, 0.025%; no homozygotes.

Submissions (2):

Labcorp Genetics (formerly Invitae), Labcorp
Classification: Uncertain significance. Last evaluated: 2025-08-09. Review status: criteria provided, single submitter. Criteria: Invitae Variant Classification Sherloc (09022015). Collection method: clinical testing. Allele origin: germline.
Comment: This sequence change replaces arginine, which is basic and polar, with glycine, which is neutral and non-polar, at codon 30 of the COL9A1 protein (p.Arg30Gly). This variant is present in population databases (rs375052968, gnomAD 0.03%). This variant has not been reported in the literature in individuals affected with COL9A1-related conditions. ClinVar contains an entry for this variant (Variation ID: 1411344). Experimental studies and prediction algorithms are not available or were not evaluated, and the functional significance of this variant is currently unknown. In summary, the available evidence is currently insufficient to determine the role of this variant in disease. Therefore, it has been classified as a Variant of Uncertain Significance.

PreventionGenetics, part of Exact Sciences
Classification: Uncertain significance for COL9A1-related condition. Last evaluated: 2023-12-27. Review status: no assertion criteria provided. Collection method: clinical testing. Allele origin: germline. Not counted in ClinVar's aggregate classification.
Comment: The COL9A1 c.88A>G variant is predicted to result in the amino acid substitution p.Arg30Gly. To our knowledge, this variant has not been reported in the literature. This variant is reported in 0.035% of alleles in individuals of East Asian descent in gnomAD. At this time, the clinical significance of this variant is uncertain due to the absence of conclusive functional and genetic evidence.

NM_001851.6(COL9A1):c.88A>G (p.Arg30Gly)

Gene: COL9A1 (collagen type IX alpha 1 chain; minus strand). Cytogenetic location: 6q13.
Variant type: single nucleotide variant.
Coding change: c.88A>G on transcript NM_001851.6 (MANE Select); coding-DNA position 88, A replaced by G.
Protein change: p.Arg30Gly; replaces arginine 30 with glycine.
Molecular consequence: missense variant.
Genome position (GRCh38, 1-based): chr6:70,302,001, T>C on the plus strand (A>G on the coding strand, the complement: COL9A1 is on the minus strand). VCF-style: chr6-70302001-T-C. GRCh37 (hg19) VCF-style: chr6-71011704-T-C.
Other names: c.88A>G, p.Arg30Gly (NM_001377291.1); c.88A>G (NM_001851.4); short protein forms R30G.
Identifiers: ClinVar variation 1411344 (VCV001411344.9), dbSNP rs375052968, ClinGen allele CA3882941.